The following is an entry in ClinVar:

ClinVar aggregate classification (germline): Likely benign. Review status: criteria provided, multiple submitters, no conflicts (2 of 4 stars). 3 submissions from 3 submitters: Likely benign (2). 1 of the submissions does not count toward it. Last evaluated 2024-10-29.

Conditions:
VCAN-related disorder. Also called: VCAN-related condition.

Allele frequency attached by ClinVar (database versions not stated): gnomAD exomes 0.00002; gnomAD 0.00003; 1000 Genomes Project 30x 0.00016.

Submissions (3):

Labcorp Genetics (formerly Invitae), Labcorp
Classification: Likely benign. Last evaluated: 2024-10-29. Review status: criteria provided, single submitter. Criteria: Invitae Variant Classification Sherloc (09022015). Collection method: clinical testing. Allele origin: germline.

Blueprint Genetics
Classification: Likely benign. Last evaluated: 2021-08-26. Review status: criteria provided, single submitter. Criteria: ACMG Guidelines, 2015. Collection method: clinical testing. Allele origin: germline.

PreventionGenetics, part of Exact Sciences
Classification: Likely benign for VCAN-related condition. Last evaluated: 2023-12-14. Review status: no assertion criteria provided. Collection method: clinical testing. Allele origin: germline. Not counted in ClinVar's aggregate classification.
Comment: This variant is classified as likely benign based on ACMG/AMP sequence variant interpretation guidelines (Richards et al. 2015 PMID: 25741868, with internal and published modifications).

NM_004385.5(VCAN):c.5442A>T (p.Gln1814His)

Genes: VCAN (versican; plus strand), VCAN-AS1 (VCAN antisense RNA 1; minus strand). Cytogenetic location: 5q14.3.
Variant type: single nucleotide variant.
Coding change: c.5442A>T on transcript NM_004385.5 (MANE Select); coding-DNA position 5442, A replaced by T.
Protein change: p.Gln1814His; replaces glutamine 1814 with histidine.
Molecular consequence: missense variant. On other transcripts: intron variant (2).
Genome position (GRCh38, 1-based): chr5:83,538,445, A>T. VCF-style: chr5-83538445-A-T. GRCh37 (hg19) VCF-style: chr5-82834264-A-T.
Other names: c.5442A>T (NM_004385.4); c.2481A>T, p.Gln827His (NM_001164097.2); c.4004-7092A>T (NM_001164098.2); c.1043-7092A>T (NM_001126336.3); short protein forms Q1814H, Q827H.
Identifiers: ClinVar variation 1641682 (VCV001641682.11), dbSNP rs200930682, ClinGen allele CA3333326.